The following is an entry in ClinVar:

NM_006767.4(LZTR1):c.761A>G (p.Asn254Ser)

Gene: LZTR1 (leucine zipper like post translational regulator 1; plus strand). Cytogenetic location: 22q11.21.
Variant type: single nucleotide variant.
Coding change: c.761A>G on transcript NM_006767.4 (MANE Select); coding-DNA position 761, A replaced by G.
Protein change: p.Asn254Ser; replaces asparagine 254 with serine.
Molecular consequence: missense variant.
Genome position (GRCh38, 1-based): chr22:20,990,495, A>G. VCF-style: chr22-20990495-A-G. GRCh37 (hg19) VCF-style: chr22-21344784-A-G.
Other names: short protein forms N254S.
Identifiers: ClinVar variation 1759829 (VCV001759829.2), dbSNP rs748242691, ClinGen allele CA10118606.

ClinVar aggregate classification (germline): Uncertain significance (1 of 4 stars; one submission).

Conditions:
Hereditary cancer-predisposing syndrome. Also called: Neoplastic Syndromes, Hereditary; Tumor predisposition; Hereditary Cancer Syndrome; Hereditary neoplastic syndrome. Identifiers: Orphanet 140162, MedGen C0027672, MeSH D009386, MONDO:0015356.
Cardiovascular phenotype. Identifiers: MedGen CN230736.

Allele frequency attached by ClinVar (database versions not stated): ExAC 0.00001.
gnomAD v4.1: 14 of 1,613,140 alleles (0.00087%); highest among the groups gnomAD compares: Non-Finnish European, 0.0012%; no homozygotes.

Submission:

Ambry Genetics
Classification: Uncertain significance for Cardiovascular phenotype; Hereditary cancer-predisposing syndrome. Last evaluated: 2021-12-17. Review status: criteria provided, single submitter. Criteria: Ambry Variant Classification Scheme 2023. Collection method: clinical testing. Allele origin: germline.
Comment: The p.N254S variant (also known as c.761A>G), located in coding exon 8 of the LZTR1 gene, results from an A to G substitution at nucleotide position 761. The asparagine at codon 254 is replaced by serine, an amino acid with highly similar properties. This amino acid position is highly conserved in available vertebrate species. In addition, this alteration is predicted to be tolerated by in silico analysis. Since supporting evidence is limited at this time, the clinical significance of this alteration remains unclear.